The following is an entry in ClinVar:

NM_001171.6(ABCC6):c.1636-3C>T

Gene: ABCC6 (ATP binding cassette subfamily C member 6; minus strand). Cytogenetic location: 16p13.11.
Variant type: single nucleotide variant.
Coding change: c.1636-3C>T on transcript NM_001171.6 (MANE Select); 3 bases into the intron before coding-DNA position 1636, C replaced by T.
Molecular consequence: intron variant.
Genome position (GRCh38, 1-based): chr16:16,188,977, G>A on the plus strand (C>T on the coding strand, the complement: ABCC6 is on the minus strand). VCF-style: chr16-16188977-G-A. GRCh37 (hg19) VCF-style: chr16-16282834-G-A.
Other names: c.1294-3C>T (NM_001351800.1).
Identifiers: ClinVar variation 1497991 (VCV001497991.6), dbSNP rs2047748862, ClinGen allele CA2573151859.

ClinVar aggregate classification (germline): Uncertain significance (1 of 4 stars; one submission).

Submission:

Labcorp Genetics (formerly Invitae), Labcorp
Classification: Uncertain significance. Last evaluated: 2022-06-20. Review status: criteria provided, single submitter. Criteria: Invitae Variant Classification Sherloc (09022015). Collection method: clinical testing. Allele origin: germline.
Comment: In summary, the available evidence is currently insufficient to determine the role of this variant in disease. Therefore, it has been classified as a Variant of Uncertain Significance. Variants that disrupt the consensus splice site are a relatively common cause of aberrant splicing (PMID: 17576681, 9536098). Algorithms developed to predict the effect of sequence changes on RNA splicing suggest that this variant is not likely to affect RNA splicing. This variant has not been reported in the literature in individuals affected with ABCC6-related conditions. This variant is not present in population databases (gnomAD no frequency). This sequence change falls in intron 12 of the ABCC6 gene. It does not directly change the encoded amino acid sequence of the ABCC6 protein. It affects a nucleotide within the consensus splice site.

Literature cited by the submitters: PubMed 17576681; PubMed 9536098.